The following is an entry in ClinVar:

NM_030665.4(RAI1):c.3801C>T (p.Pro1267=)

Gene: RAI1 (retinoic acid induced 1; plus strand). Cytogenetic location: 17p11.2.
Variant type: single nucleotide variant.
Coding change: c.3801C>T on transcript NM_030665.4 (MANE Select); coding-DNA position 3801, C replaced by T.
Protein change: p.Pro1267=; no amino-acid change (proline 1267 retained).
Molecular consequence: synonymous variant.
Genome position (GRCh38, 1-based): chr17:17,796,749, C>T. VCF-style: chr17-17796749-C-T. GRCh37 (hg19) VCF-style: chr17-17700063-C-T.
Other names: c.3801C>T (NM_030665.3).
Identifiers: ClinVar variation 1629486 (VCV001629486.10), dbSNP rs779398519, ClinGen allele CA8418823.

ClinVar aggregate classification (germline): Likely benign. Review status: criteria provided, single submitter (1 of 4 stars). 2 submissions from 2 submitters: Likely benign (1). 1 of the submissions does not count toward it. Last evaluated 2024-02-17.

Conditions:
RAI1-related disorder. Also called: RAI1-related condition.

Allele frequency attached by ClinVar (database versions not stated): TOPMed below 0.00001; gnomAD 0.00001 and 0.00002; gnomAD exomes 0.00001 and 0.00003; ExAC 0.00002.
gnomAD v4.1: 10 of 1,613,304 alleles (0.00062%); highest among the groups gnomAD compares: East Asian, 0.02%; no homozygotes.

Submissions (2):

Labcorp Genetics (formerly Invitae), Labcorp
Classification: Likely benign. Last evaluated: 2024-02-17. Review status: criteria provided, single submitter. Criteria: Invitae Variant Classification Sherloc (09022015). Collection method: clinical testing. Allele origin: germline.

PreventionGenetics, part of Exact Sciences
Classification: Likely benign for RAI1-related condition. Last evaluated: 2023-11-06. Review status: no assertion criteria provided. Collection method: clinical testing. Allele origin: germline. Not counted in ClinVar's aggregate classification.
Comment: This variant is classified as likely benign based on ACMG/AMP sequence variant interpretation guidelines (Richards et al. 2015 PMID: 25741868, with internal and published modifications).